The following is an entry in ClinVar:

ClinVar aggregate classification (germline): Uncertain significance (1 of 4 stars; one submission).

Conditions:
Primary familial hypertrophic cardiomyopathy (HCM). Identifiers: Orphanet 99739, MedGen C0949658, MeSH D024741, MONDO:0024573. Inheritance: Various modes of inheritance.
Dilated cardiomyopathy 1AA (CMD1AA). Also called: Cardiomyopathy, dilated, 1AA, with or without LVNC; CARDIOMYOPATHY, DILATED, 1AA, WITH OR WITHOUT LEFT VENTRICULAR NONCOMPACTION; CARDIOMYOPATHY, FAMILIAL HYPERTROPHIC, 23, WITH OR WITHOUT LEFT VENTRICULAR NONCOMPACTION. Identifiers: Orphanet 154, MedGen C2677338, MONDO:0012808, OMIM 612158.

Allele frequency attached by ClinVar (database versions not stated): gnomAD exomes below 0.00001; ExAC 0.00002.
gnomAD v4.1: 5 of 1,614,102 alleles (0.00031%); highest among the groups gnomAD compares: African/African-American, 0.0013%; no homozygotes.

Submission:

Labcorp Genetics (formerly Invitae), Labcorp
Classification: Uncertain significance for Primary familial hypertrophic cardiomyopathy; Dilated cardiomyopathy 1AA. Last evaluated: 2023-03-09. Review status: criteria provided, single submitter. Criteria: Invitae Variant Classification Sherloc (09022015). Collection method: clinical testing. Allele origin: germline.
Comment: Advanced modeling of protein sequence and biophysical properties (such as structural, functional, and spatial information, amino acid conservation, physicochemical variation, residue mobility, and thermodynamic stability) performed at Invitae indicates that this missense variant is not expected to disrupt ACTN2 protein function. In summary, the available evidence is currently insufficient to determine the role of this variant in disease. Therefore, it has been classified as a Variant of Uncertain Significance. This variant is present in population databases (rs746456711, gnomAD 0.003%). This sequence change replaces isoleucine, which is neutral and non-polar, with valine, which is neutral and non-polar, at codon 692 of the ACTN2 protein (p.Ile692Val). This variant has not been reported in the literature in individuals affected with ACTN2-related conditions.

NM_001103.4(ACTN2):c.2074A>G (p.Ile692Val)

Gene: ACTN2 (actinin alpha 2; plus strand). Cytogenetic location: 1q43.
Variant type: single nucleotide variant.
Coding change: c.2074A>G on transcript NM_001103.4 (MANE Select); coding-DNA position 2074, A replaced by G.
Protein change: p.Ile692Val; replaces isoleucine 692 with valine.
Molecular consequence: missense variant. On other transcripts: non-coding transcript variant (1).
Genome position (GRCh38, 1-based): chr1:236,755,118, A>G. VCF-style: chr1-236755118-A-G. GRCh37 (hg19) VCF-style: chr1-236918418-A-G.
Other names: c.2074A>G, p.Ile692Val (NM_001278343.2); c.1450A>G, p.Ile484Val (NM_001278344.2); c.1324A>G, p.Ile442Val (NM_001412150.1); short protein forms I442V, I484V, I692V.
Identifiers: ClinVar variation 2940974 (VCV002940974.3), dbSNP rs746456711, ClinGen allele CA1473338.